The following is an entry in ClinVar:

NM_000424.4(KRT5):c.538G>C (p.Ala180Pro)

Gene: KRT5 (keratin 5; minus strand). Cytogenetic location: 12q13.13.
Variant type: single nucleotide variant.
Coding change: c.538G>C on transcript NM_000424.4 (MANE Select); coding-DNA position 538, G replaced by C.
Protein change: p.Ala180Pro; replaces alanine 180 with proline.
Molecular consequence: missense variant.
Genome position (GRCh38, 1-based): chr12:52,519,759, C>G on the plus strand (G>C on the coding strand, the complement: KRT5 is on the minus strand). VCF-style: chr12-52519759-C-G. GRCh37 (hg19) VCF-style: chr12-52913543-C-G.
Other names: short protein forms A180P.
Identifiers: ClinVar variation 66257 (VCV000066257.2), dbSNP rs267607451, ClinGen allele CA216745.
Genomic context (GRCh38, chr12:52,519,759, plus strand): 5'-ATTTCAGACCCACAGTGATTTTTTACAAAAGATCGTAGCTCACCTTGTCGATGAAGGAGG[C>G]AAACTTATTGTTGAGGGTCTTGATCTGCTCGCGCTCCTCGGTCCTCACCCTCTGGATGCT-3'
Protein context (NP_000415.2, residues 170-190): EQIKTLNNKF[Ala180Pro]SFIDKVRFLE

ClinVar aggregate classification (germline): Pathogenic. Review status: criteria provided, single submitter (1 of 4 stars). 2 submissions from 2 submitters: Pathogenic (1). 1 of the submissions does not count toward it. Last evaluated 2017-07-20.

Submissions (2):

GeneDx
Classification: Pathogenic. Last evaluated: 2017-07-20. Review status: criteria provided, single submitter. Criteria: GeneDx Variant Classification (06012015). Collection method: clinical testing. Allele origin: germline. Affected: yes.
Comment: The A180P pathogenic variant in the KRT5 gene has been reported previously in an individual with autosomal dominant epidermolysis bullosa simplex (EBS), Dowling-Meara type, but segregation information was not provided for that family (Bolling et al., 2011). The A180P variant is not observed in large population cohorts (Lek et al., 2016; 1000 Genomes Consortium et al., 2015; Exome Variant Server). The A180P variant is a semi-conservative amino acid substitution, which may impact secondary protein structure as these residues differ in some properties. This substitution affects a residue within the 1A region of the keratin 5 protein that is conserved across species. In silico analysis predicts this variant is probably damaging to the structure/function of the protein. A missense variant affecting the same residue (A180D) has been reported in several individuals with EBS (Hamada et al., 2005; Bolling et al., 2011). Additionally, missense variants in nearby residues (L175F, L176S, N177S, F179S, S181P, I183F, I183V, I183M) have been reported in the Human Gene Mutation Database in association with epidermolysis bullosa (Stenson et al., 2014), supporting the functional importance of this region of the protein. We interpret A180P as a pathogenic variant.

Epithelial Biology; Institute of Medical Biology, Singapore
No classification provided. Review status: no classification provided. Collection method: not provided. Allele origin: not provided. Not counted in ClinVar's aggregate classification.